The following is an entry in ClinVar:

NM_152296.5(ATP1A3):c.2688+17del

Gene: ATP1A3 (ATPase Na+/K+ transporting subunit alpha 3; minus strand). Cytogenetic location: 19q13.2.
Variant type: Deletion.
Coding change: c.2688+17del on transcript NM_152296.5 (MANE Select); 17 bases into the intron after coding-DNA position 2688, one base deleted (G; older notation c.2688+17delG).
Molecular consequence: intron variant.
Genome position (GRCh38, 1-based): chr19:41,969,418, C deleted on the plus strand (G on the coding strand, the reverse complement: ATP1A3 is on the minus strand). VCF-style (leftmost placement, unchanged base first): chr19-41969417-GC-G. GRCh37 (hg19) VCF-style: chr19-42473569-GC-G.
Other names: c.2688+17delG (NM_152296.5); c.2727+17del (NM_001256214.2); c.2721+17del (NM_001256213.2).
Identifiers: ClinVar variation 2149983 (VCV002149983.6), dbSNP rs782322913, ClinGen allele CA9467323.

ClinVar aggregate classification (germline): Likely benign. Review status: criteria provided, multiple submitters, no conflicts (2 of 4 stars). 3 submissions from 3 submitters: Likely benign (3). Last evaluated 2025-02-12.

Conditions:
Dystonia 12 (DYT12). Also called: DYT-ATP1A3; Rapid-Onset Dystonia-Parkinsonism (RDP). Identifiers: Orphanet 71517, MedGen C1868681, MONDO:0007496, OMIM 128235.

Allele frequency attached by ClinVar (database versions not stated): gnomAD exomes 0.00001; TOPMed 0.00001; ExAC 0.00002; gnomAD 0.00002.

Submissions (3):

Labcorp Genetics (formerly Invitae), Labcorp
Classification: Likely benign for Dystonia 12. Last evaluated: 2025-02-12. Review status: criteria provided, single submitter. Criteria: Invitae Variant Classification Sherloc (09022015). Collection method: clinical testing. Allele origin: germline.

Blueprint Genetics
Classification: Likely benign. Last evaluated: 2024-09-23. Review status: criteria provided, single submitter. Criteria: ACMG Guidelines, 2015. Collection method: clinical testing. Allele origin: germline.

Women's Health and Genetics/Laboratory Corporation of America, LabCorp
Classification: Likely benign. Last evaluated: 2024-06-10. Review status: criteria provided, single submitter. Criteria: LabCorp Variant Classification Summary - May 2015. Collection method: clinical testing. Allele origin: germline.
Comment: Variant summary: ATP1A3 c.2688+17delG alters a non-conserved nucleotide located at a position not widely known to affect splicing. Consensus agreement among computation tools predict no significant impact on normal splicing. However, these predictions have yet to be confirmed by functional studies. The variant allele was found at a frequency of 1.6e-05 in 251208 control chromosomes (gnomAD). The available data on variant occurrences in the general population are insufficient to allow any conclusion about variant significance. To our knowledge, no occurrence of c.2688+17delG in individuals affected with ATP1A3-Related Disorders and no experimental evidence demonstrating its impact on protein function have been reported. ClinVar contains an entry for this variant (Variation ID: 2149983). Based on the evidence outlined above, the variant was classified as likely benign.